The following is an entry in ClinVar:

NM_001369268.1(ACAN):c.5375T>C (p.Val1792Ala)

Gene: ACAN (aggrecan; plus strand). Cytogenetic location: 15q26.1.
Variant type: single nucleotide variant.
Coding change: c.5375T>C on transcript NM_001369268.1 (MANE Select); coding-DNA position 5375, T replaced by C.
Protein change: p.Val1792Ala; replaces valine 1792 with alanine.
Molecular consequence: missense variant.
Genome position (GRCh38, 1-based): chr15:88,857,960, T>C. VCF-style: chr15-88857960-T-C. GRCh37 (hg19) VCF-style: chr15-89401191-T-C.
Other names: c.5375T>C, p.Val1792Ala (NM_001135.4, NM_001411096.1, NM_001411097.1 and 1 more transcripts); short protein forms V1792A.
Identifiers: ClinVar variation 4688578 (VCV004688578.1).
Genomic context (GRCh38, chr15:88,857,960, plus strand): 5'-TTCTTTATGGCACTAGTCAACCCTTTGGCATAACTGATCTGAGTGGAGAAACATCTGGGG[T>C]CCCTGATCTCAGTGGGCAGCCTTCAGGGTTACCAGGGTTCAGTGGGGCAACATCAGGAGT-3'
Protein context (NP_001356197.1, residues 1782-1802): ITDLSGETSG[Val1792Ala]PDLSGQPSGL

ClinVar aggregate classification (germline): Uncertain significance (1 of 4 stars; one submission).

Submission:

Women's Health and Genetics/Laboratory Corporation of America, LabCorp
Classification: Uncertain significance. Last evaluated: 2025-12-04. Review status: criteria provided, single submitter. Criteria: LabCorp Variant Classification Summary - May 2015. Collection method: clinical testing. Allele origin: germline.
Comment: Variant summary: ACAN c.5375T>C (p.Val1792Ala) results in a non-conservative amino acid change in the encoded protein sequence. Algorithms developed to predict the effect of missense changes on protein structure and function are either unavailable or do not agree on the potential impact of this missense change. The variant was absent in 249218 control chromosomes. The available data on variant occurrences in the general population are insufficient to allow any conclusion about variant significance. To our knowledge, no occurrence of c.5375T>C in individuals affected with ACAN-related conditions and no experimental evidence demonstrating its impact on protein function have been reported. No submitters have cited clinical-significance assessments for this variant to ClinVar. Based on the evidence outlined above, the variant was classified as uncertain significance.